The following is an entry in ClinVar:

NM_001142864.4(PIEZO1):c.3278C>T (p.Ala1093Val)

Gene: PIEZO1 (piezo type mechanosensitive ion channel component 1 (Er blood group); minus strand). Cytogenetic location: 16q24.3.
Variant type: single nucleotide variant.
Coding change: c.3278C>T on transcript NM_001142864.4 (MANE Select); coding-DNA position 3278, C replaced by T.
Protein change: p.Ala1093Val; replaces alanine 1093 with valine.
Molecular consequence: missense variant.
Genome position (GRCh38, 1-based): chr16:88,727,580, G>A on the plus strand (C>T on the coding strand, the complement: PIEZO1 is on the minus strand). VCF-style: chr16-88727580-G-A. GRCh37 (hg19) VCF-style: chr16-88793988-G-A.
Other names: short protein forms A1093V.
Identifiers: ClinVar variation 4997143 (VCV004997143.1).
Genomic context (GRCh38, chr16:88,727,580, plus strand): 5'-GTCCTCTGCAGAGGCGGGGGTGGTGGGGGGCACTCACTGATGAGGTTGGTGGAGTTGGGG[G>A]CCCGGAAGAAATCAGGCAGGTACAGCCACTTGATGAGTGCGGAGTTCATGGGGACGGCCC-3'
Protein context (NP_001136336.2, residues 1083-1103): KWLYLPDFFR[Ala1093Val]PNSTNLISDF

ClinVar aggregate classification (germline): Uncertain significance (1 of 4 stars; one submission).

Conditions:
PIEZO1-related disorder. Also called: PIEZO1-related condition; PIEZO1-Related Disorders.

gnomAD v4.1: 14 of 1,524,514 alleles (0.00092%); highest among the groups gnomAD compares: Non-Finnish European, 0.0012%; no homozygotes.

Submission:

PreventionGenetics, part of Exact Sciences
Classification: Uncertain significance for PIEZO1-related condition. Last evaluated: 2025-12-04. Review status: criteria provided, single submitter. Criteria: ACMG Guidelines, 2015. Collection method: clinical testing. Allele origin: germline.
Comment: The PIEZO1 c.3278C>T variant is predicted to result in the amino acid substitution p.Ala1093Val. To our knowledge, this variant has not been reported in the literature or in a large population database (gnomAD), indicating this variant is rare. At this time, the clinical significance of this variant is uncertain due to the absence of conclusive functional and genetic evidence.